The following is an entry in ClinVar:

NM_033380.3(COL4A5):c.1594C>A (p.Pro532Thr)

Gene: COL4A5 (collagen type IV alpha 5 chain; plus strand). Cytogenetic location: Xq22.3.
Variant type: single nucleotide variant.
Coding change: c.1594C>A on transcript NM_033380.3 (MANE Select); coding-DNA position 1594, C replaced by A.
Protein change: p.Pro532Thr; replaces proline 532 with threonine.
Molecular consequence: missense variant.
Genome position (GRCh38, 1-based): chrX:108,597,383, C>A. VCF-style: chrX-108597383-C-A. GRCh37 (hg19) VCF-style: chrX-107840613-C-A.
Other names: c.1594C>A, p.Pro532Thr (NM_000495.5); short protein forms P532T.
Identifiers: ClinVar variation 4874711 (VCV004874711.2).

ClinVar aggregate classification (germline): Uncertain significance (1 of 4 stars; one submission).

Submission:

CeGaT Center for Human Genetics Tuebingen
Classification: Uncertain significance. Last evaluated: 2026-04-01. Review status: criteria provided, single submitter. Criteria: CeGaT Center For Human Genetics Tuebingen Variant Classification Criteria Version 2. Collection method: clinical testing. Allele origin: germline. Affected: yes. Observed: 1 variant allele.
Comment: COL4A5: PM2